The following is an entry in ClinVar:

ClinVar aggregate classification (germline): Benign (1 of 4 stars; one submission).

Submission:

CeGaT Center for Human Genetics Tuebingen
Classification: Benign. Last evaluated: 2023-05-01. Review status: criteria provided, single submitter. Criteria: CeGaT Center For Human Genetics Tuebingen Variant Classification Criteria Version 2. Collection method: clinical testing. Allele origin: germline. Affected: yes. Observed: 1 variant allele.
Comment: ZNF462: BS1, BS2

NM_021224.6(ZNF462):c.1701_1715del (p.Gln567_Pro571del)

Gene: ZNF462 (zinc finger protein 462; plus strand). Cytogenetic location: 9q31.2.
Variant type: Deletion.
Coding change: c.1701_1715del on transcript NM_021224.6 (MANE Select); coding-DNA positions 1701 to 1715, 15 bases deleted (GCTGCAGCCACCACA).
Protein change: p.Gln567_Pro571del.
Molecular consequence: inframe deletion.
Genome position (GRCh38, 1-based): chr9:106,925,613-106,925,627, GCTGCAGCCACCACA deleted; deleting any 15 consecutive bases within chr9:106,925,602-106,925,627 gives the same sequence; the c. name uses the placement nearest the transcript's 3' end. VCF-style (leftmost placement, unchanged base first): chr9-106925601-ACAGCCACCACAGCTG-A. GRCh37 (hg19) VCF-style: chr9-109687882-ACAGCCACCACAGCTG-A.
Other names: c.1701_1715del, p.Gln567_Pro571del (NM_001347997.2).
Identifiers: ClinVar variation 2659370 (VCV002659370.24), dbSNP rs536610712, ClinGen allele CA5171383.